The following is an entry in ClinVar:

NM_001042750.2(STAG2):c.2278C>T (p.Arg760Cys)

Gene: STAG2 (STAG2 cohesin complex component; plus strand). Cytogenetic location: Xq25.
Variant type: single nucleotide variant.
Coding change: c.2278C>T on transcript NM_001042750.2 (MANE Select); coding-DNA position 2278, C replaced by T.
Protein change: p.Arg760Cys; replaces arginine 760 with cysteine.
Molecular consequence: missense variant.
Genome position (GRCh38, 1-based): chrX:124,068,576, C>T. VCF-style: chrX-124068576-C-T. GRCh37 (hg19) VCF-style: chrX-123202426-C-T.
Other names: c.2278C>T, p.Arg760Cys (NM_001042749.2, NM_001042751.2, NM_001282418.2 and 13 more transcripts); short protein forms R760C.
Identifiers: ClinVar variation 1398437 (VCV001398437.7), dbSNP rs2058595620, ClinGen allele CA414275063.

ClinVar aggregate classification (germline): Uncertain significance. Review status: criteria provided, multiple submitters, no conflicts (2 of 4 stars). 2 submissions from 2 submitters: Uncertain significance (2). Last evaluated 2024-05-06.

gnomAD v4.1: 2 of 1,183,026 alleles (0.00017%); no homozygotes.

Submissions (2):

GeneDx
Classification: Uncertain significance. Last evaluated: 2024-05-06. Review status: criteria provided, single submitter. Criteria: GeneDx Variant Classification Process June 2021. Collection method: clinical testing. Allele origin: germline. Affected: yes.
Comment: Not observed at significant frequency in large population cohorts (gnomAD); In silico analysis indicates that this missense variant does not alter protein structure/function; Has not been previously published as pathogenic or benign to our knowledge

Labcorp Genetics (formerly Invitae), Labcorp
Classification: Uncertain significance. Last evaluated: 2022-10-29. Review status: criteria provided, single submitter. Criteria: Invitae Variant Classification Sherloc (09022015). Collection method: clinical testing. Allele origin: germline.
Comment: ClinVar contains an entry for this variant (Variation ID: 1398437). Advanced modeling of protein sequence and biophysical properties (such as structural, functional, and spatial information, amino acid conservation, physicochemical variation, residue mobility, and thermodynamic stability) performed at Invitae indicates that this missense variant is not expected to disrupt STAG2 protein function. In summary, the available evidence is currently insufficient to determine the role of this variant in disease. Therefore, it has been classified as a Variant of Uncertain Significance. This variant is not present in population databases (gnomAD no frequency). This sequence change replaces arginine, which is basic and polar, with cysteine, which is neutral and slightly polar, at codon 760 of the STAG2 protein (p.Arg760Cys). This variant has not been reported in the literature in individuals affected with STAG2-related conditions.